The following is an entry in ClinVar:

ClinVar aggregate classification (germline): Uncertain significance (1 of 4 stars; one submission).

Conditions:
Regional enteritis. Also called: Enteritis, Granulomatous. Identifiers: MedGen C0678202, MeSH D003424.
Blau syndrome (BLAUS). Also called: ARTHROCUTANEOUVEAL GRANULOMATOSIS; GRANULOMATOSIS, FAMILIAL JUVENILE SYSTEMIC; GRANULOMATOSIS, FAMILIAL, BLAU TYPE; GRANULOMATOUS INFLAMMATORY ARTHRITIS, DERMATITIS, AND UVEITIS, FAMILIAL; JABS SYNDROME. Identifiers: Orphanet 90340, MedGen C5201146, MONDO:0008523, OMIM 186580.

Submission:

Labcorp Genetics (formerly Invitae), Labcorp
Classification: Uncertain significance for Regional enteritis; Blau syndrome. Last evaluated: 2025-03-10. Review status: criteria provided, single submitter. Criteria: Invitae Variant Classification Sherloc (09022015). Collection method: clinical testing. Allele origin: germline.
Comment: This sequence change replaces glutamine, which is neutral and polar, with arginine, which is basic and polar, at codon 571 of the NOD2 protein (p.Gln571Arg). This variant is not present in population databases (gnomAD no frequency). This variant has not been reported in the literature in individuals affected with NOD2-related conditions. Invitae Evidence Modeling of protein sequence and biophysical properties (such as structural, functional, and spatial information, amino acid conservation, physicochemical variation, residue mobility, and thermodynamic stability) indicates that this missense variant is not expected to disrupt NOD2 protein function with a negative predictive value of 95%. In summary, the available evidence is currently insufficient to determine the role of this variant in disease. Therefore, it has been classified as a Variant of Uncertain Significance.

NM_001370466.1(NOD2):c.1631A>G (p.Gln544Arg)

Gene: NOD2 (nucleotide binding oligomerization domain containing 2; plus strand). Cytogenetic location: 16q12.1.
Variant type: single nucleotide variant.
Coding change: c.1631A>G on transcript NM_001370466.1 (MANE Select); coding-DNA position 1631, A replaced by G.
Protein change: p.Gln544Arg; replaces glutamine 544 with arginine.
Molecular consequence: missense variant. On other transcripts: non-coding transcript variant (1).
Genome position (GRCh38, 1-based): chr16:50,711,623, A>G. VCF-style: chr16-50711623-A-G. GRCh37 (hg19) VCF-style: chr16-50745534-A-G.
Other names: c.1631A>G, p.Gln544Arg (NM_001293557.2); c.1712A>G, p.Gln571Arg (NM_022162.3); short protein forms Q571R, Q544R.
Identifiers: ClinVar variation 4789798 (VCV004789798.1).
Genomic context (GRCh38, chr16:50,711,623, plus strand): 5'-GCAGACTGGCTCTGTGGGGCCTGGGCATGTGCTGCTACGTGTTCTCAGCCCAGCAGCTCC[A>G]GGCAGCACAGGTCAGCCCTGATGACATTTCTCTTGGCTTCCTGGTGCGTGCCAAAGGTGT-3'
Protein context (NP_001357395.1, residues 534-554): CCYVFSAQQL[Gln544Arg]AAQVSPDDIS